The following is an entry in ClinVar:

ClinVar aggregate classification (germline): Uncertain significance (1 of 4 stars; one submission).

Conditions:
SH2B1-related disorder. Also called: SH2B1-related condition.

gnomAD v4.1: 3 of 1,613,918 alleles (0.00019%); highest among the groups gnomAD compares: East Asian, 0.0022%; no homozygotes.

Submission:

PreventionGenetics, part of Exact Sciences
Classification: Uncertain significance for SH2B1-related condition. Last evaluated: 2025-03-19. Review status: criteria provided, single submitter. Criteria: ACMG Guidelines, 2015. Collection method: clinical testing. Allele origin: germline.
Comment: The SH2B1 c.479G>A variant is predicted to result in the amino acid substitution p.Arg160His. To our knowledge, this variant has not been reported in the literature. This variant is reported in 0.0029% of alleles in individuals of Latino descent in gnomAD. At this time, the clinical significance of this variant is uncertain due to the absence of conclusive functional and genetic evidence.

NM_001387430.1(SH2B1):c.479G>A (p.Arg160His)

Gene: SH2B1 (SH2B adaptor protein 1; plus strand). Cytogenetic location: 16p11.2.
Variant type: single nucleotide variant.
Coding change: c.479G>A on transcript NM_001387430.1 (MANE Select); coding-DNA position 479, G replaced by A.
Protein change: p.Arg160His; replaces arginine 160 with histidine.
Molecular consequence: missense variant. On other transcripts: intron variant (1).
Genome position (GRCh38, 1-based): chr16:28,866,573, G>A. VCF-style: chr16-28866573-G-A. GRCh37 (hg19) VCF-style: chr16-28877894-G-A.
Other names: c.479G>A, p.Arg160His (NM_001145795.2, NM_001145796.2, NM_001145797.2 and 4 more transcripts); c.-26-801G>A (NM_001308294.2); short protein forms R160H.
Identifiers: ClinVar variation 4980104 (VCV004980104.1).
Genomic context (GRCh38, chr16:28,866,573, plus strand): 5'-CCTCTACAACCTCCTCCAAGCCGAAGCTCAAGAAGCGCTTTTCCCTGCGTTCAGTGGGTC[G>A]CTCTGTCCGAGGCTCAGTCCGTGGCATCCTGCAGTGGCGGGGGACCGTTGACCCTCCCTC-3'
Protein context (NP_001374359.1, residues 150-170): KKRFSLRSVG[Arg160His]SVRGSVRGIL